The following is an entry in ClinVar:

ClinVar aggregate classification (germline): Uncertain significance (1 of 4 stars; one submission).

Allele frequency attached by ClinVar (database versions not stated): gnomAD 0.00001; gnomAD exomes 0.00002; ExAC 0.00009; 1000 Genomes Project 30x 0.00016.
gnomAD v4.1: 26 of 1,612,864 alleles (0.0016%); highest among the groups gnomAD compares: East Asian, 0.056%; no homozygotes.

Submission:

Labcorp Genetics (formerly Invitae), Labcorp
Classification: Uncertain significance. Last evaluated: 2022-03-22. Review status: criteria provided, single submitter. Criteria: Invitae Variant Classification Sherloc (09022015). Collection method: clinical testing. Allele origin: germline.
Comment: In summary, the available evidence is currently insufficient to determine the role of this variant in disease. Therefore, it has been classified as a Variant of Uncertain Significance. Algorithms developed to predict the effect of sequence changes on RNA splicing suggest that this variant may disrupt the consensus splice site. Algorithms developed to predict the effect of missense changes on protein structure and function are either unavailable or do not agree on the potential impact of this missense change (SIFT: "Deleterious"; PolyPhen-2: "Possibly Damaging"; Align-GVGD: "Class C0"). This variant has not been reported in the literature in individuals affected with RAB3GAP1-related conditions. This variant is present in population databases (rs767683459, gnomAD 0.1%). This sequence change replaces valine, which is neutral and non-polar, with leucine, which is neutral and non-polar, at codon 764 of the RAB3GAP1 protein (p.Val764Leu).

NM_012233.3(RAB3GAP1):c.2290G>C (p.Val764Leu)

Gene: RAB3GAP1 (RAB3 GTPase activating protein catalytic subunit 1; plus strand). Cytogenetic location: 2q21.3.
Variant type: single nucleotide variant.
Coding change: c.2290G>C on transcript NM_012233.3 (MANE Select); coding-DNA position 2290, G replaced by C.
Protein change: p.Val764Leu; replaces valine 764 with leucine.
Molecular consequence: missense variant.
Genome position (GRCh38, 1-based): chr2:135,162,555, G>C. VCF-style: chr2-135162555-G-C. GRCh37 (hg19) VCF-style: chr2-135920125-G-C.
Other names: c.2290G>C, p.Val764Leu (NM_001172435.2); short protein forms V764L.
Identifiers: ClinVar variation 2040247 (VCV002040247.2), dbSNP rs767683459, ClinGen allele CA1885036.